The following is an entry in ClinVar:

ClinVar aggregate classification (germline): Uncertain significance (1 of 4 stars; one submission).

Allele frequency attached by ClinVar (database versions not stated): TOPMed below 0.00001; ExAC 0.00001; gnomAD exomes 0.00001.
gnomAD v4.1: 3 of 1,613,202 alleles (0.00019%); highest among the groups gnomAD compares: Admixed American, 0.005%; no homozygotes.

Submission:

Labcorp Genetics (formerly Invitae), Labcorp
Classification: Uncertain significance. Last evaluated: 2022-05-19. Review status: criteria provided, single submitter. Criteria: Invitae Variant Classification Sherloc (09022015). Collection method: clinical testing. Allele origin: germline.
Comment: This sequence change replaces threonine, which is neutral and polar, with serine, which is neutral and polar, at codon 561 of the EIF2AK3 protein (p.Thr561Ser). This variant is present in population databases (rs752723076, gnomAD 0.006%). This variant has not been reported in the literature in individuals affected with EIF2AK3-related conditions. Algorithms developed to predict the effect of missense changes on protein structure and function (SIFT, PolyPhen-2, Align-GVGD) all suggest that this variant is likely to be tolerated. In summary, the available evidence is currently insufficient to determine the role of this variant in disease. Therefore, it has been classified as a Variant of Uncertain Significance.

NM_004836.7(EIF2AK3):c.1681A>T (p.Thr561Ser)

Gene: EIF2AK3 (eukaryotic translation initiation factor 2 alpha kinase 3; minus strand). Cytogenetic location: 2p11.2.
Variant type: single nucleotide variant.
Coding change: c.1681A>T on transcript NM_004836.7 (MANE Select); coding-DNA position 1681, A replaced by T.
Protein change: p.Thr561Ser; replaces threonine 561 with serine.
Molecular consequence: missense variant.
Genome position (GRCh38, 1-based): chr2:88,583,512, T>A on the plus strand (A>T on the coding strand, the complement: EIF2AK3 is on the minus strand). VCF-style: chr2-88583512-T-A. GRCh37 (hg19) VCF-style: chr2-88883030-T-A.
Other names: c.1228A>T, p.Thr410Ser (NM_001313915.2); short protein forms T561S, T410S.
Identifiers: ClinVar variation 1941719 (VCV001941719.2), dbSNP rs752723076, ClinGen allele CA1754632.
Genomic context (GRCh38, chr2:88,583,512, plus strand): 5'-TTATGTCATTCCAGCTACTGTCATTGGCTTCACCACTTACAGAATCATATTTATTTTCAG[T>A]TTGACACTGAGTTTCAGACTCCTTCCTTTGCTGATAAGGTGAAAAACAAAATCACTACCA-3'
Protein context (NP_004827.4, residues 551-571): QRKESETQCQ[Thr561Ser]ENKYDSVSGE